The following is an entry in ClinVar:

NM_001349253.2(SCN11A):c.4376C>T (p.Pro1459Leu)

Gene: SCN11A (sodium voltage-gated channel alpha subunit 11; minus strand). Cytogenetic location: 3p22.2.
Variant type: single nucleotide variant.
Coding change: c.4376C>T on transcript NM_001349253.2 (MANE Select); coding-DNA position 4376, C replaced by T.
Protein change: p.Pro1459Leu; replaces proline 1459 with leucine.
Molecular consequence: missense variant.
Genome position (GRCh38, 1-based): chr3:38,847,694, G>A on the plus strand (C>T on the coding strand, the complement: SCN11A is on the minus strand). VCF-style: chr3-38847694-G-A. GRCh37 (hg19) VCF-style: chr3-38889185-G-A.
Other names: c.4376C>T, p.Pro1459Leu (NM_014139.3); short protein forms P1459L.
Identifiers: ClinVar variation 4794559 (VCV004794559.1).

ClinVar aggregate classification (germline): Uncertain significance (1 of 4 stars; one submission).

Conditions:
Hereditary sensory and autonomic neuropathy type 7. Also called: HSAN VII; Neuropathy, hereditary sensory and autonomic, type VII. Identifiers: Orphanet 391397, MedGen C3809882, MONDO:0014244, OMIM 615548.
Familial episodic pain syndrome with predominantly lower limb involvement. Also called: Episodic pain syndrome, familial, 3. Identifiers: Orphanet 391384, Orphanet 391392, MedGen C3809899, MONDO:0014247, OMIM 615552.

gnomAD v4.1: 7 of 1,612,450 alleles (0.00043%); highest among the groups gnomAD compares: South Asian, 0.0011%; no homozygotes.

Submission:

Labcorp Genetics (formerly Invitae), Labcorp
Classification: Uncertain significance for Familial episodic pain syndrome with predominantly lower limb involvement; Hereditary sensory and autonomic neuropathy type 7. Last evaluated: 2025-04-20. Review status: criteria provided, single submitter. Criteria: Invitae Variant Classification Sherloc (09022015). Collection method: clinical testing. Allele origin: germline.
Comment: This sequence change replaces proline, which is neutral and non-polar, with leucine, which is neutral and non-polar, at codon 1459 of the SCN11A protein (p.Pro1459Leu). This variant is not present in population databases (gnomAD no frequency). This variant has not been reported in the literature in individuals affected with SCN11A-related conditions. Invitae Evidence Modeling of protein sequence and biophysical properties (such as structural, functional, and spatial information, amino acid conservation, physicochemical variation, residue mobility, and thermodynamic stability) indicates that this missense variant is expected to disrupt SCN11A protein function with a positive predictive value of 80%. In summary, the available evidence is currently insufficient to determine the role of this variant in disease. Therefore, it has been classified as a Variant of Uncertain Significance.